The following is an entry in ClinVar:

NM_001201427.2(DAAM2):c.1203G>A (p.Leu401=)

Gene: DAAM2 (dishevelled associated activator of morphogenesis 2; plus strand). Cytogenetic location: 6p21.2.
Variant type: single nucleotide variant.
Coding change: c.1203G>A on transcript NM_001201427.2 (MANE Select); coding-DNA position 1203, G replaced by A.
Protein change: p.Leu401=; no amino-acid change (leucine 401 retained).
Molecular consequence: synonymous variant.
Genome position (GRCh38, 1-based): chr6:39,875,370, G>A. VCF-style: chr6-39875370-G-A. GRCh37 (hg19) VCF-style: chr6-39843146-G-A.
Other names: c.1203G>A, p.Leu401= (NM_015345.4).
Identifiers: ClinVar variation 3044733 (VCV003044733.2), dbSNP rs370084680, ClinGen allele CA3794895.

ClinVar aggregate classification (germline): Likely benign (0 of 4 stars; one submission).

Conditions:
DAAM2-related disorder. Also called: DAAM2-related condition.

Allele frequency attached by ClinVar (database versions not stated): gnomAD exomes 0.00004; ExAC 0.00008; ESP Exome Variant Server 0.00024; 1000 Genomes Project 30x 0.00031; gnomAD 0.00032; 1000 Genomes Project 0.00040; TOPMed 0.00040.
gnomAD v4.1: 111 of 1,613,974 alleles (0.0069%); highest among the groups gnomAD compares: African/African-American, 0.088%; 1 homozygote.

Submission:

PreventionGenetics, part of Exact Sciences
Classification: Likely benign for DAAM2-related condition. Last evaluated: 2021-12-13. Review status: no assertion criteria provided. Collection method: clinical testing. Allele origin: germline.
Comment: This variant is classified as likely benign based on ACMG/AMP sequence variant interpretation guidelines (Richards et al. 2015 PMID: 25741868, with internal and published modifications).